The following is an entry in ClinVar:

NM_000018.4(ACADVL):c.1843C>T (p.Arg615Ter)

Gene: ACADVL (acyl-CoA dehydrogenase very long chain; plus strand). Cytogenetic location: 17p13.1.
Variant type: single nucleotide variant.
Coding change: c.1843C>T on transcript NM_000018.4 (MANE Select); coding-DNA position 1843, C replaced by T.
Protein change: p.Arg615Ter; replaces arginine 615 with a stop codon.
Molecular consequence: nonsense.
Genome position (GRCh38, 1-based): chr17:7,224,972, C>T. VCF-style: chr17-7224972-C-T. GRCh37 (hg19) VCF-style: chr17-7128291-C-T.
Other names: NM_000018.4(ACADVL):c.1843C>T; p.Arg615Ter; c.1777C>T, p.Arg593Ter (NM_001033859.3); c.1912C>T, p.Arg638Ter (NM_001270447.2); c.1615C>T, p.Arg539Ter (NM_001270448.2); short protein forms R615*, R539*, R638*, R593*.
Identifiers: ClinVar variation 379145 (VCV000379145.33), dbSNP rs1057520507, ClinGen allele CA16608642.

ClinVar aggregate classification (germline): Likely pathogenic. Review status: reviewed by expert panel (3 of 4 stars). 12 submissions from 12 submitters: Likely pathogenic (1). 11 of the submissions do not count toward it. Last evaluated 2022-12-15.

Conditions:
Very long chain acyl-CoA dehydrogenase deficiency (ACADVLD). Also called: VLCAD Deficiency; Very Long-Chain Acyl-Coenzyme A Dehydrogenase Deficiency. Identifiers: Orphanet 26793, MedGen C3887523, MONDO:0008723, OMIM 201475.
ACADVL-related disorder. Also called: ACADVL-related condition.

Allele frequency attached by ClinVar (database versions not stated): TOPMed 0.00002.

Submissions (12):

ClinGen ACADVL Variant Curation Expert Panel, ClinGen
Classification: Likely pathogenic for Very long chain acyl-CoA dehydrogenase deficiency. Last evaluated: 2022-12-15. Review status: reviewed by expert panel. Criteria: clingen acadvl acmg specifications v1. Collection method: curation. Allele origin: germline. Inheritance: Autosomal recessive inheritance.
Comment: The c.1843C>T (p.Arg615Ter) variant in ACADVL is a nonsense variant that may cause loss of function of the protein, however it is predicted to escape nonsense mediated decay and remove about 10% of the protein from the C-terminus (PVS1_Moderate; PMIDs 9973285, 11590124). This variant is absent from gnomAD v2.1.1 (PM2_Supporting). This variant was also detected and confirmed in-trans with the likely pathogenic p.Glu130del in a patient with VLCAD-deficiency (PM3, PMID:10431122). The patient with this variant also displayed elevated C14:1, which is highly specific for Very long chain acyl coenzyme A dehydrogenase deficiency (PP4_moderate, PMID:10431122). The ACADVL Variant Curation Expert Panel VCEP classified the variant as likely pathogenic based on: PVS1_moderate+PM3+PM2_supporting+PP4_moderate.

PreventionGenetics, part of Exact Sciences
Classification: Likely pathogenic for ACADVL-related condition. Last evaluated: 2026-09-10. Review status: criteria provided, single submitter. Criteria: ACMG Guidelines, 2015. Collection method: clinical testing. Allele origin: germline. Not counted in ClinVar's aggregate classification.
Comment: The ACADVL c.1843C>T variant is predicted to result in premature protein termination (p.Arg615*). This variant was reported in the compound heterozygous state in an individual with very long chain acyl-CoA dehydrogenase deficiency (Hahn et al. 1999. PubMed ID: 10431122). This variant has not been reported in a large population database (gnomAD), indicating this variant is rare. This variant has been classified in ClinVar as likely pathogenic by the ClinGen ACADVL Variant Curation Expert Panel (Variation ID: 379145). This variant is interpreted as likely pathogenic.

Labcorp Genetics (formerly Invitae), Labcorp
Classification: Pathogenic for Very long chain acyl-CoA dehydrogenase deficiency. Last evaluated: 2026-02-04. Review status: criteria provided, single submitter. Criteria: Invitae Variant Classification Sherloc (09022015). Collection method: clinical testing. Allele origin: germline. Not counted in ClinVar's aggregate classification.
Comment: This sequence change creates a premature translational stop signal (p.Arg615*) in the ACADVL gene. While this is not anticipated to result in nonsense mediated decay, it is expected to disrupt the last 41 amino acid(s) of the ACADVL protein. This variant is not present in population databases (gnomAD no frequency). This premature translational stop signal has been observed in individual(s) with clinical features of ACADVL-related conditions (PMID: 10431122). In at least one individual the data is consistent with being in trans (on the opposite chromosome) from a pathogenic variant. ClinVar contains an entry for this variant (Variation ID: 379145). Algorithms developed to predict the effect of sequence changes on RNA splicing suggest that this variant may disrupt the consensus splice site. This variant disrupts a region of the ACADVL protein in which other variant(s) (p.Ala640fs*39) have been determined to be pathogenic (PMID: 17999356, 20060901). This suggests that this is a clinically significant region of the protein, and that variants that disrupt it are likely to be disease-causing. For these reasons, this variant has been classified as Pathogenic.

Natera, Inc.
Classification: Likely pathogenic for Very long chain acyl-CoA dehydrogenase deficiency. Last evaluated: 2024-12-22. Review status: criteria provided, single submitter. Criteria: Natera Variant Classification Schema (03/2026). Collection method: clinical testing. Allele origin: germline. Not counted in ClinVar's aggregate classification.
Comment: The c.1843C>T variant in ACADVL is a nonsense variant predicted to introduce a stop codon at amino acid 615. This variant may result in a truncated or dysfunctional protein product. This variant is rare in the general population with a frequency below the threshold expected for the associated phenotype(s). This variant has been observed in one or more individuals affected with the associated recessive disease, as either homozygous or compound heterozygous with a second variant (PMID: 10431122, 36207828, 35400565, 27029698). Given the available evidence, this variant is classified as Likely Pathogenic.

Fulgent Genetics
Classification: Pathogenic for Very long chain acyl-CoA dehydrogenase deficiency. Last evaluated: 2024-04-28. Review status: criteria provided, single submitter. Criteria: ACMG Guidelines, 2015. Collection method: clinical testing. Allele origin: germline. Not counted in ClinVar's aggregate classification.

Revvity Omics, Revvity
Classification: Pathogenic for Very long chain acyl-CoA dehydrogenase deficiency. Last evaluated: 2021-06-17. Review status: criteria provided, single submitter. Criteria: ACMG Guidelines, 2015. Collection method: clinical testing. Allele origin: germline. Not counted in ClinVar's aggregate classification.

Wong Mito Lab, Molecular and Human Genetics, Baylor College of Medicine
Classification: Pathogenic for Very long chain acyl-CoA dehydrogenase deficiency. Last evaluated: 2019-11-01. Review status: criteria provided, single submitter. Criteria: ACMG Guidelines, 2015. Collection method: clinical testing. Allele origin: germline. Not counted in ClinVar's aggregate classification.
Comment: The NM_000018.3:c.1843C>T (NP_000009.1:p.Arg615Ter) [GRCH38: NC_000017.11:g.7224972C>T] variant in ACADVL gene is interpretated to be Pathogenic based on ACMG guidelines (PMID: 25741868). This variant has been reported in PMID: 10431122. This variant meets the following evidence codes reported in the ACMG guidelines: PVS1, PS3

Women's Health and Genetics/Laboratory Corporation of America, LabCorp
Classification: Pathogenic for Very long chain acyl-CoA dehydrogenase deficiency. Last evaluated: 2018-10-05. Review status: criteria provided, single submitter. Criteria: LabCorp Variant Classification Summary - May 2015. Collection method: clinical testing. Allele origin: germline. Not counted in ClinVar's aggregate classification.
Comment: Variant summary: ACADVL c.1843C>T (p.Arg615X) results in a premature termination codon, predicted to cause a truncation of the encoded protein or absence of the protein due to nonsense mediated decay, which are commonly known mechanisms for disease. The variant was absent in 276976 control chromosomes (gnomAD). c.1843C>T has been reported in the literature in compound heterozygous individuals affected with Very Long Chain Acyl-CoA Dehydrogenase Deficiency (Hahn 1999, Bu 2016). These data indicate that the variant may be associated with disease. To our knowledge, no experimental evidence demonstrating an impact on protein function has been reported. Three clinical diagnostic laboratories have submitted clinical-significance assessments for this variant to ClinVar after 2014 without evidence for independent evaluation. All laboratories classified the variant as pathogenic. Based on the evidence outlined above, the variant was classified as Pathogenic.

ARUP Laboratories, Molecular Genetics and Genomics, ARUP Laboratories
Classification: Pathogenic. Last evaluated: 2017-12-04. Review status: criteria provided, single submitter. Criteria: ARUP Molecular Germline Variant Investigation Process. Collection method: clinical testing. Allele origin: germline. Not counted in ClinVar's aggregate classification.
Comment: The ACADVL c.1843C>T; p.Arg615Ter variant occurs in the final coding exon and induces an early termination codon, most likely resulting in a truncated protein missing the last 40 amino acids, but could alternatively result in an absent transcript. The carboxy-terminal portion of the protein is thought to play an important role in mediating binding to the inner mitochondrial membrane (Goetzman 2007, Souri 1998, Wang 2010). Also, substitution of p.Arg615 (also known as R575) has been reported multiple times in association with VLCAD deficiency (Gobin-Limballe 2007, Hoffmann 2012, Mathur 1999, Miller 2015) and several other frameshifts and termination variants in this exon have been reported to be deleterious (Gobin-Limballe 2010, Miller 2015), thus providing additional support that the amino acids encoded by the final exon are functionally important. The p.Arg615Ter variant has been reported in individuals with VLCAD deficiency that were compound heterozygous with another ACADVL variant (Bu 2016, Hahn 1999). This variant has been reported to the ClinVar variant database (Variation ID: 379145), and is absent from the general population databases (Exome Variant Server, Genome Aggregation Database). Taken together, this variant is considered pathogenic. References: Link to ClinVar database for p.Arg615Ter: Bu Q et al. A Novel Missense Mutation in Very Long-chain Acyl-CoA Dehydrogenase Deficiency. Indian Pediatr. 2016 Mar;53(3):262. Gobin-Limballe S et al. Compared effects of missense mutations in Very-Long-Chain Acyl-CoA Dehydrogenase deficiency: Combined analysis by structural, functional and pharmacological approaches. Biochim Biophys Acta. 2010 May;1802(5):478-84. Gobin-Limballe S et al. Genetic basis for correction of very-long-chain acyl-coenzyme A dehydrogenase deficiency by bezafibrate in patient fibroblasts: toward a genotype-based therapy. Am J Hum Genet. 2007 Dec;81(6):1133-43. Goetzman ES et al. Expression and characterization of mutations in human very long-chain acyl-CoA dehydrogenase using a prokaryotic system. Mol Genet Metab. 2007 Jun;91(2):138-47. Hahn SH et al. Very long chain acyl coenzyme A dehydrogenase deficiency in a 5-month-old Korean boy: identification of a novel mutation. J Pediatr. 1999 Aug;135(2 Pt 1):250-3. Hoffmann L et al. VLCAD enzyme activity determinations in newborns identified by screening: a valuable tool for risk assessment. J Inherit Metab Dis. 2012 Mar;35(2):269-77. Mathur A et al. Molecular heterogeneity in very-long-chain acyl-CoA dehydrogenase deficiency causing pediatric cardiomyopathy and sudden death. Circulation. 1999 Mar 16;99(10):1337-43. Miller MJ et al. Recurrent ACADVL molecular findings in individuals with a positive newborn screen for very long chain acyl-coA dehydrogenase (VLCAD) deficiency in the United States. Mol Genet Metab. 2015 Nov;116(3):139-45. Souri M et al. Relationship between structure and substrate-chain-length specificity of mitochondrial very-long-chain acyl-coenzyme A dehydrogenase. Eur J Biochem. 1998 Nov 1;257(3):592-8. Wang Y et al. Evidence for physical association of mitochondrial fatty acid oxidation and oxidative phosphorylation complexes. J Biol Chem. 2010 Sep 24;285(39):29834-41.

GeneDx
Classification: Pathogenic. Last evaluated: 2015-04-27. Review status: criteria provided, single submitter. Criteria: GeneDx Variant Classification (06012015). Collection method: clinical testing. Allele origin: germline. Affected: yes. Not counted in ClinVar's aggregate classification.
Comment: The R615X nonsense variant in the ACADVL gene has been reported previously in association with very long-chain acyl-CoA dehydrogenase (VLCAD) deficiency in a patient who was compound heterozygous for R615X and a relatively common 3-bp deletion of the ACADVL gene (Hahn et al., 1999). This variant is predicted to cause loss of normal protein function through protein truncation. Therefore, we consider R615X to be a pathogenic variant.

Baylor Genetics
Classification: Pathogenic for Very long chain acyl-CoA dehydrogenase deficiency. Review status: criteria provided, single submitter. Criteria: ACMG Guidelines, 2015. Collection method: clinical testing. Allele origin: germline. Not counted in ClinVar's aggregate classification.

Juno Genomics, Hangzhou Juno Genomics, Inc
Classification: Likely pathogenic for Very long chain acyl-CoA dehydrogenase deficiency. Review status: criteria provided, single submitter. Criteria: ACMG Guidelines, 2015. Collection method: clinical testing. Allele origin: germline. Not counted in ClinVar's aggregate classification.
Comment: Absent from controls (or at extremely low frequency if recessive) in Genome Aggregation Database.;Null variant in a gene where loss of function (LOF) is a known mechanism of disease.;For recessive disorders, detected in trans with a pathogenic variant.;Patient's phenotype or family history is highly specific for a disease with a single genetic etiology.

Literature cited by the submitters: PubMed 10431122 (cited by 4 submitters); PubMed 17999356 (cited by Labcorp Genetics (formerly Invitae), Labcorp); PubMed 20060901 (cited by Labcorp Genetics (formerly Invitae), Labcorp); PubMed 36207828 (cited by Natera, Inc.); PubMed 35400565 (cited by Natera, Inc.); PubMed 27029698 (cited by Natera, Inc. and Women's Health and Genetics/Laboratory Corporation of America, LabCorp); PubMed 29111448 (cited by Women's Health and Genetics/Laboratory Corporation of America, LabCorp).